The following is an entry in ClinVar:

NM_000038.6(APC):c.4973_4981del (p.Ser1658_Leu1660del)

Gene: APC (APC regulator of Wnt signaling pathway; plus strand). Cytogenetic location: 5q22.2.
Variant type: Deletion.
Coding change: c.4973_4981del on transcript NM_000038.6 (MANE Select); coding-DNA positions 4973 to 4981, 9 bases deleted (GTGATCTAA; older notation c.4973_4981delGTGATCTAA).
Protein change: p.Ser1658_Leu1660del.
Molecular consequence: inframe deletion. On other transcripts: non-coding transcript variant (2).
Genome position (GRCh38, 1-based): chr5:112,840,567-112,840,575, GTGATCTAA deleted; deleting any 9 consecutive bases within chr5:112,840,562-112,840,575 gives the same sequence; the c. name uses the placement nearest the transcript's 3' end. VCF-style (leftmost placement, unchanged base first): chr5-112840561-CTCTAAGTGA-C. GRCh37 (hg19) VCF-style: chr5-112176258-CTCTAAGTGA-C.
Other names: c.4973_4981del, p.Ser1658_Leu1660del (NM_001127510.3, NM_001354895.2, NM_001407450.1); c.4919_4927del, p.Ser1640_Leu1642del (NM_001127511.3); c.5027_5035del, p.Ser1676_Leu1678del (NM_001354896.2, NM_001407447.1, NM_001407448.1 and 1 more transcripts); c.5003_5011del, p.Ser1668_Leu1670del (NM_001354897.2); c.4898_4906del, p.Ser1633_Leu1635del (NM_001354898.2); c.4889_4897del, p.Ser1630_Leu1632del (NM_001354899.2); c.4850_4858del, p.Ser1617_Leu1619del (NM_001354900.2); c.4796_4804del, p.Ser1599_Leu1601del (NM_001354901.2, NM_001407453.1); and 11 more.
Identifiers: ClinVar variation 2567052 (VCV002567052.2), dbSNP rs2533611854, ClinGen allele CA2580613638.

ClinVar aggregate classification (germline): Uncertain significance (1 of 4 stars; one submission).

Conditions:
Hereditary cancer-predisposing syndrome. Also called: Hereditary neoplastic syndrome; Hereditary Cancer Syndrome; Neoplastic Syndromes, Hereditary; Tumor predisposition. Identifiers: Orphanet 140162, MedGen C0027672, MeSH D009386, MONDO:0015356.

Submission:

Ambry Genetics
Classification: Uncertain significance for Hereditary cancer-predisposing syndrome. Last evaluated: 2023-06-07. Review status: criteria provided, single submitter. Criteria: Ambry Variant Classification Scheme 2023. Collection method: clinical testing. Allele origin: germline.
Comment: The c.4973_4981delGTGATCTAA variant (also known as p.S1658_L1660del) is located in coding exon 15 of the APC gene. This variant results from an in-frame GTGATCTAA deletion at nucleotide positions 4973 to 4981. This results in the in-frame deletion of serine, aspartic acid, and leucine at codons 1658 to 1660. This amino acid region is well conserved in available vertebrate species. Since supporting evidence is limited at this time, the clinical significance of this alteration remains unclear.